The following is an entry in ClinVar:

ClinVar aggregate classification (germline): Uncertain significance (1 of 4 stars; one submission).

Submission:

Women's Health and Genetics/Laboratory Corporation of America, LabCorp
Classification: Uncertain significance. Last evaluated: 2026-03-12. Review status: criteria provided, single submitter. Criteria: LabCorp Variant Classification Summary - May 2015. Collection method: clinical testing. Allele origin: germline.
Comment: Variant summary: PKD1 c.858_859insTGG (p.Ser286_Gly287insTrp) results in an in-frame insertion that is predicted to insert one amino acid into the encoded protein. The variant was absent in 214476 control chromosomes (gnomAD). The available data on variant occurrences in the general population are insufficient to allow any conclusion about variant significance. To our knowledge, no occurrence of c.858_859insTGG in individuals affected with PKD1-related conditions and no experimental evidence demonstrating its impact on protein function have been reported. No submitters have cited clinical-significance assessments for this variant to ClinVar. Based on the evidence outlined above, the variant was classified as uncertain significance.

NM_001009944.3(PKD1):c.858_859insTGG (p.Ser286_Gly287insTrp)

Gene: PKD1 (polycystin 1, transient receptor potential channel interacting; minus strand). Cytogenetic location: 16p13.3.
Variant type: Insertion.
Coding change: c.858_859insTGG on transcript NM_001009944.3 (MANE Select); coding-DNA positions 858 to 859, TGG inserted.
Protein change: p.Ser286_Gly287insTrp.
Genome position: GRCh38 VCF-style: chr16-2118133-C-CCCA. GRCh37 (hg19) VCF-style: chr16-2168134-C-CCCA.
Other names: c.858_859insTGG, p.Ser286_Gly287insTrp (NM_000296.4).
Identifiers: ClinVar variation 4847297 (VCV004847297.1).
Genomic context (GRCh38, chr16:2,118,133, plus strand): 5'-AGTCCCAGCGTGTGGCAGTGACAGGGAGCGGGGCAGCGATGTGGAAGGCTGCTAGCTGGC[C>CCCA]AGAGGCCAGAGGTCCGTGGGGCCCCACCAGGGTGGCCCCTGGGGAGGCAGGGAAGACGTG-3'